The following is an entry in ClinVar:

ClinVar aggregate classification (germline): Uncertain significance. Review status: criteria provided, multiple submitters, no conflicts (2 of 4 stars). 2 submissions from 2 submitters: Uncertain significance (2). Last evaluated 2026-07-07.

Conditions:
ACBD5-related disorder. Also called: ACBD5-related condition.

Allele frequency attached by ClinVar (database versions not stated): TOPMed below 0.00001; ExAC 0.00001; gnomAD 0.00001; gnomAD exomes below 0.00001.
gnomAD v4.1: 2 of 1,601,348 alleles (0.00012%); highest among the groups gnomAD compares: Admixed American, 0.0033%; no homozygotes.

Submissions (2):

PreventionGenetics, part of Exact Sciences
Classification: Uncertain significance for ACBD5-related condition. Last evaluated: 2026-07-07. Review status: criteria provided, single submitter. Criteria: ACMG Guidelines, 2015. Collection method: clinical testing. Allele origin: germline.
Comment: The ACBD5 c.830A>G variant is predicted to result in the amino acid substitution p.Asp277Gly. To our knowledge, this variant has not been reported in the literature. This variant is reported in 0.0029% of alleles in individuals of Latino descent in gnomAD. At this time, the clinical significance of this variant is uncertain due to the absence of conclusive functional and genetic evidence.

Labcorp Genetics (formerly Invitae), Labcorp
Classification: Uncertain significance. Last evaluated: 2022-05-25. Review status: criteria provided, single submitter. Criteria: Invitae Variant Classification Sherloc (09022015). Collection method: clinical testing. Allele origin: germline.
Comment: This sequence change replaces aspartic acid, which is acidic and polar, with glycine, which is neutral and non-polar, at codon 277 of the ACBD5 protein (p.Asp277Gly). This variant is present in population databases (rs752934602, gnomAD 0.003%). This variant has not been reported in the literature in individuals affected with ACBD5-related conditions. Algorithms developed to predict the effect of missense changes on protein structure and function output the following: SIFT: "Tolerated"; PolyPhen-2: "Benign"; Align-GVGD: "Class C0". The glycine amino acid residue is found in multiple mammalian species, which suggests that this missense change does not adversely affect protein function. In summary, the available evidence is currently insufficient to determine the role of this variant in disease. Therefore, it has been classified as a Variant of Uncertain Significance.

NM_145698.5(ACBD5):c.830A>G (p.Asp277Gly)

Gene: ACBD5 (acyl-CoA binding domain containing 5; minus strand). Cytogenetic location: 10p12.1.
Variant type: single nucleotide variant.
Coding change: c.830A>G on transcript NM_145698.5 (MANE Select); coding-DNA position 830, A replaced by G.
Protein change: p.Asp277Gly; replaces aspartic acid 277 with glycine.
Molecular consequence: missense variant.
Genome position (GRCh38, 1-based): chr10:27,215,641, T>C on the plus strand (A>G on the coding strand, the complement: ACBD5 is on the minus strand). VCF-style: chr10-27215641-T-C. GRCh37 (hg19) VCF-style: chr10-27504570-T-C.
Other names: c.851A>G, p.Asp284Gly (NM_001352572.1); c.809A>G, p.Asp270Gly (NM_001352573.1); c.758A>G, p.Asp253Gly (NM_001352574.2, NM_001352575.2, NM_001352576.2); c.725A>G, p.Asp242Gly (NM_001352577.2, NM_001352578.2, NM_001352579.2 and 1 more transcripts); c.671A>G, p.Asp224Gly (NM_001352580.2); c.659A>G, p.Asp220Gly (NM_001352581.1); c.830A>G (NM_145698.4); c.824A>G, p.Asp275Gly (NM_001271512.3); and 11 more; short protein forms D174G, D179G, D207G, D277G, D288G, D100G, D218G, D242G.
Identifiers: ClinVar variation 1938942 (VCV001938942.3), dbSNP rs752934602, ClinGen allele CA5450804.